The following is an entry in ClinVar:

ClinVar aggregate classification (germline): Benign (1 of 4 stars; one submission).

Conditions:
Familial adenomatous polyposis 1 (FAP1). Also called: POLYPOSIS, ADENOMATOUS INTESTINAL; FAMILIAL ADENOMATOUS POLYPOSIS 1, ATTENUATED. Identifiers: MedGen C2713442, MONDO:0021056, OMIM 175100. Disease mechanism: loss of function.

Submission:

Myriad Genetics, Inc.
Classification: Benign for Familial adenomatous polyposis 1. Last evaluated: 2024-04-16. Review status: criteria provided, single submitter. Criteria: Myriad Autosomal Dominant, Autosomal Recessive and X-Linked Classification Criteria (2023). Collection method: clinical testing. Allele origin: unknown.
Comment: This variant is considered benign. This variant is a silent/synonymous amino acid change and it is not expected to impact splicing.

NM_000038.6(APC):c.8460T>C (p.Thr2820=)

Gene: APC (APC regulator of Wnt signaling pathway; plus strand). Cytogenetic location: 5q22.2.
Variant type: single nucleotide variant.
Coding change: c.8460T>C on transcript NM_000038.6 (MANE Select); coding-DNA position 8460, T replaced by C.
Protein change: p.Thr2820=; no amino-acid change (threonine 2820 retained).
Molecular consequence: synonymous variant. On other transcripts: non-coding transcript variant (2).
Genome position (GRCh38, 1-based): chr5:112,844,054, T>C. VCF-style: chr5-112844054-T-C. GRCh37 (hg19) VCF-style: chr5-112179751-T-C.
Other names: c.8460T>C, p.Thr2820= (NM_001127510.3, NM_001354895.2, NM_001407450.1); c.8406T>C, p.Thr2802= (NM_001127511.3); c.8514T>C, p.Thr2838= (NM_001354896.2, NM_001407447.1, NM_001407448.1 and 1 more transcripts); c.8490T>C, p.Thr2830= (NM_001354897.2); c.8385T>C, p.Thr2795= (NM_001354898.2); c.8376T>C, p.Thr2792= (NM_001354899.2); c.8337T>C, p.Thr2779= (NM_001354900.2); c.8283T>C, p.Thr2761= (NM_001354901.2, NM_001407453.1); and 11 more.
Identifiers: ClinVar variation 3253893 (VCV003253893.1), dbSNP rs2150005790.